The following is an entry in ClinVar:

ClinVar aggregate classification (germline): Uncertain significance (1 of 4 stars; one submission).

Conditions:
Neuropathy, hereditary sensory and autonomic, type 2A (HSAN2A). Also called: ACROOSTEOLYSIS, GIACCAI TYPE; ACROOSTEOLYSIS, NEUROGENIC; MORVAN DISEASE; NEUROPATHY, CONGENITAL SENSORY; NEUROPATHY, HEREDITARY SENSORY RADICULAR, AUTOSOMAL RECESSIVE; NEUROPATHY, HEREDITARY SENSORY, TYPE IIA. Identifiers: Orphanet 970, MedGen C2752089, MONDO:0024309, OMIM 201300.
Generalized epilepsy with febrile seizures plus, type 7 (GEFSP7). Also called: GEFS+, TYPE 7. Identifiers: Orphanet 36387, MedGen C2751778, MONDO:0013470, OMIM 613863.

Submission:

Labcorp Genetics (formerly Invitae), Labcorp
Classification: Uncertain significance for Neuropathy, hereditary sensory and autonomic, type 2A; Generalized epilepsy with febrile seizures plus, type 7. Last evaluated: 2022-11-24. Review status: criteria provided, single submitter. Criteria: Invitae Variant Classification Sherloc (09022015). Collection method: clinical testing. Allele origin: germline.
Comment: The frequency data for this variant in the population databases is considered unreliable, as metrics indicate poor data quality at this position in the gnomAD database. This sequence change replaces isoleucine, which is neutral and non-polar, with methionine, which is neutral and non-polar, at codon 712 of the SCN9A protein (p.Ile712Met). This variant has not been reported in the literature in individuals affected with SCN9A-related conditions. Advanced modeling of protein sequence and biophysical properties (such as structural, functional, and spatial information, amino acid conservation, physicochemical variation, residue mobility, and thermodynamic stability) has been performed at Invitae for this missense variant, however the output from this modeling did not meet the statistical confidence thresholds required to predict the impact of this variant on SCN9A protein function. In summary, the available evidence is currently insufficient to determine the role of this variant in disease. Therefore, it has been classified as a Variant of Uncertain Significance.

NM_001365536.1(SCN9A):c.2169C>G (p.Ile723Met)

Genes: SCN1A-AS1 (SCN1A and SCN9A antisense RNA 1; plus strand), SCN9A (sodium voltage-gated channel alpha subunit 9; minus strand). Cytogenetic location: 2q24.3.
Variant type: single nucleotide variant.
Coding change: c.2169C>G on transcript NM_001365536.1 (MANE Select); coding-DNA position 2169, C replaced by G.
Protein change: p.Ile723Met; replaces isoleucine 723 with methionine.
Molecular consequence: missense variant.
Genome position (GRCh38, 1-based): chr2:166,280,531, G>C on the plus strand (C>G on the coding strand, the complement: SCN9A is on the minus strand). VCF-style: chr2-166280531-G-C. GRCh37 (hg19) VCF-style: chr2-167137041-G-C.
Other names: c.2136C>G, p.Ile712Met (NM_002977.4); short protein forms I723M, I712M.
Identifiers: ClinVar variation 2937409 (VCV002937409.3), dbSNP rs994948367, ClinGen allele CA349079813.